The following is an entry in ClinVar:

NM_014846.4(WASHC5):c.3205G>A (p.Asp1069Asn)

Genes: WASHC5 (WASH complex subunit 5; minus strand), LOC126860498 (P300/CBP strongly-dependent group 1 enhancer GRCh37_chr8:126043836-126045035; plus strand). Cytogenetic location: 8q24.13.
Variant type: single nucleotide variant.
Coding change: c.3205G>A on transcript NM_014846.4 (MANE Select); coding-DNA position 3205, G replaced by A.
Protein change: p.Asp1069Asn; replaces aspartic acid 1069 with asparagine.
Molecular consequence: missense variant.
Genome position (GRCh38, 1-based): chr8:125,032,371, C>T on the plus strand (G>A on the coding strand, the complement: WASHC5 is on the minus strand). VCF-style: chr8-125032371-C-T. GRCh37 (hg19) VCF-style: chr8-126044613-C-T.
Other names: c.2761G>A, p.Asp921Asn (NM_001330609.2); short protein forms D921N, D1069N.
Identifiers: ClinVar variation 2178537 (VCV002178537.4), dbSNP rs1163071228, ClinGen allele CA372182194.
Genomic context (GRCh38, chr8:125,032,371, plus strand): 5'-AATGGAACTGCTTCAGCAGAGTGAGCAGTCCCAGGACAAGTGGTGGCCAATCAACCGGGT[C>T]GGTCGGTTTTCGGCAGACCATTCCTGCAAGGGAACAAGTTGCAACACCATATGAAGTACT-3'
Protein context (NP_055661.3, residues 1059-1079): NLGMVCRKPT[Asp1069Asn]PVDWPPLVLG

ClinVar aggregate classification (germline): Uncertain significance (1 of 4 stars; one submission).

Conditions:
Hereditary spastic paraplegia 8 (SPG8). Also called: SPASTIC PARAPLEGIA 8, AUTOSOMAL DOMINANT. Identifiers: Orphanet 100989, MedGen C1863704, MONDO:0011339, OMIM 603563.
Ritscher-Schinzel syndrome. Also called: CRANIOCEREBELLOCARDIAC DYSPLASIA. Identifiers: Orphanet 7, MedGen C0796137, MONDO:0019078.

Allele frequency attached by ClinVar (database versions not stated): gnomAD exomes 0.00001; TOPMed 0.00001; gnomAD 0.00001.
gnomAD v4.1: 14 of 1,613,958 alleles (0.00087%); highest among the groups gnomAD compares: East Asian, 0.0089%; no homozygotes.

Submission:

Labcorp Genetics (formerly Invitae), Labcorp
Classification: Uncertain significance for Ritscher-Schinzel syndrome; Hereditary spastic paraplegia 8. Last evaluated: 2022-10-13. Review status: criteria provided, single submitter. Criteria: Invitae Variant Classification Sherloc (09022015). Collection method: clinical testing. Allele origin: germline.
Comment: In summary, the available evidence is currently insufficient to determine the role of this variant in disease. Therefore, it has been classified as a Variant of Uncertain Significance. Advanced modeling of protein sequence and biophysical properties (such as structural, functional, and spatial information, amino acid conservation, physicochemical variation, residue mobility, and thermodynamic stability) performed at Invitae indicates that this missense variant is not expected to disrupt WASHC5 protein function. This variant has not been reported in the literature in individuals affected with WASHC5-related conditions. This variant is present in population databases (no rsID available, gnomAD 0.009%). This sequence change replaces aspartic acid, which is acidic and polar, with asparagine, which is neutral and polar, at codon 1069 of the WASHC5 protein (p.Asp1069Asn).